The following is an entry in ClinVar:

ClinVar aggregate classification (germline): Uncertain significance (1 of 4 stars; one submission).

Conditions:
DICER1-related tumor predisposition. Also called: DICER1-related pleuropulmonary blastoma cancer predisposition syndrome; DICER1 syndrome. Identifiers: Orphanet 284343, MedGen C3839822, MONDO:0100216.

Submission:

Labcorp Genetics (formerly Invitae), Labcorp
Classification: Uncertain significance for DICER1-related tumor predisposition. Last evaluated: 2025-07-31. Review status: criteria provided, single submitter. Criteria: Invitae Variant Classification Sherloc (09022015). Collection method: clinical testing. Allele origin: germline.
Comment: This sequence change replaces arginine, which is basic and polar, with glycine, which is neutral and non-polar, at codon 1725 of the DICER1 protein (p.Arg1725Gly). This variant is not present in population databases (gnomAD no frequency). This variant has not been reported in the literature in individuals affected with DICER1-related conditions. ClinVar contains an entry for this variant (Variation ID: 2039096). Invitae Evidence Modeling of protein sequence and biophysical properties (such as structural, functional, and spatial information, amino acid conservation, physicochemical variation, residue mobility, and thermodynamic stability) indicates that this missense variant is not expected to disrupt DICER1 protein function with a negative predictive value of 95%. In summary, the available evidence is currently insufficient to determine the role of this variant in disease. Therefore, it has been classified as a Variant of Uncertain Significance.

NM_177438.3(DICER1):c.5173C>G (p.Arg1725Gly)

Gene: DICER1 (dicer 1, ribonuclease III; minus strand). Cytogenetic location: 14q32.13.
Variant type: single nucleotide variant.
Coding change: c.5173C>G on transcript NM_177438.3 (MANE Select); coding-DNA position 5173, C replaced by G.
Protein change: p.Arg1725Gly; replaces arginine 1725 with glycine.
Molecular consequence: missense variant. On other transcripts: non-coding transcript variant (6).
Genome position (GRCh38, 1-based): chr14:95,094,079, G>C on the plus strand (C>G on the coding strand, the complement: DICER1 is on the minus strand). VCF-style: chr14-95094079-G-C. GRCh37 (hg19) VCF-style: chr14-95560416-G-C.
Other names: c.5173C>G, p.Arg1725Gly (NM_001195573.1, NM_001271282.3, NM_001291628.2 and 9 more transcripts); c.4891C>G, p.Arg1631Gly (NM_001395686.1); c.4768C>G, p.Arg1590Gly (NM_001395687.1, NM_001395688.1, NM_001395689.1 and 1 more transcripts); c.4606C>G, p.Arg1536Gly (NM_001395691.1); c.3490C>G, p.Arg1164Gly (NM_001395697.1); short protein forms R1536G, R1590G, R1631G, R1164G, R1725G.
Identifiers: ClinVar variation 2039096 (VCV002039096.4), dbSNP rs756827508, ClinGen allele CA390865282.